The following is an entry in ClinVar:

ClinVar aggregate classification (germline): Likely benign (1 of 4 stars; one submission).

Allele frequency attached by ClinVar (database versions not stated): TOPMed below 0.00001; gnomAD 0.00001; gnomAD exomes 0.00002 and 0.00003; ExAC 0.00008.
gnomAD v4.1: 11 of 1,610,476 alleles (0.00068%); highest among the groups gnomAD compares: Admixed American, 0.013%; 1 homozygote.

Submission:

GeneDx
Classification: Likely benign. Last evaluated: 2016-09-23. Review status: criteria provided, single submitter. Criteria: GeneDx Variant Classification (06012015). Collection method: clinical testing. Allele origin: germline. Affected: yes.
Comment: This variant is considered likely benign or benign based on one or more of the following criteria: it is a conservative change, it occurs at a poorly conserved position in the protein, it is predicted to be benign by multiple in silico algorithms, and/or has population frequency not consistent with disease.

NM_016035.5(COQ4):c.168C>T (p.Ser56=)

Genes: COQ4 (coenzyme Q4; plus strand), LOC130002704 (ATAC-STARR-seq lymphoblastoid silent region 20335; plus strand). Cytogenetic location: 9q34.11.
Variant type: single nucleotide variant.
Coding change: c.168C>T on transcript NM_016035.5 (MANE Select); coding-DNA position 168, C replaced by T.
Protein change: p.Ser56=; no amino-acid change (serine 56 retained).
Molecular consequence: synonymous variant.
Genome position (GRCh38, 1-based): chr9:128,323,113, C>T. VCF-style: chr9-128323113-C-T. GRCh37 (hg19) VCF-style: chr9-131085392-C-T.
Other names: c.168C>T, p.Ser56= (NM_001305942.2).
Identifiers: ClinVar variation 389184 (VCV000389184.1), dbSNP rs767078081, ClinGen allele CA5260423.